The following is an entry in ClinVar:

ClinVar aggregate classification (germline): Likely pathogenic (1 of 4 stars; one submission).

Conditions:
Hereditary acrodermatitis enteropathica (AEZ). Also called: Acrodermatitis enteropathica. Identifiers: Orphanet 37, MedGen C0221036, MONDO:0008713, OMIM 201100.

Submission:

Natera, Inc.
Classification: Likely pathogenic for Acrodermatitis enteropathica. Last evaluated: 2024-10-03. Review status: criteria provided, single submitter. Criteria: Natera Variant Classification Schema (03/2026). Collection method: clinical testing. Allele origin: germline.
Comment: The c.751_752delinsCGT variant in SLC39A4 is a frameshift variant predicted to shift the reading frame beginning at codon 252 and leads to a stop codon 166 codons downstream. This variant is expected to result in nonsense mediated decay, truncation, or a dysfunctional protein product. This variant is rare in the general population with a frequency below the threshold expected for the associated phenotype(s). Given the available evidence, this variant is classified as Likely Pathogenic.

NM_130849.4(SLC39A4):c.752_753insT (p.Asp252fs)

Gene: SLC39A4 (solute carrier family 39 member 4; minus strand). Cytogenetic location: 8q24.3.
Variant type: Insertion.
Coding change: c.752_753insT on transcript NM_130849.4 (MANE Select); coding-DNA positions 752 to 753, T inserted.
Protein change: p.Asp252fs; shifts the reading frame from aspartic acid 252.
Molecular consequence: frameshift variant.
Genome position: GRCh38 VCF-style: chr8-144415025-C-CA. GRCh37 (hg19) VCF-style: chr8-145640409-C-CA.
Other names: c.470_471insT, p.Asp158fs (NM_001374839.1); c.677_678insT, p.Asp227fs (NM_017767.3); short protein forms D158fs, D227fs, D252fs.
Identifiers: ClinVar variation 4816472 (VCV004816472.1).
Genomic context (GRCh38, chr8:144,415,025, plus strand): 5'-GCAGCTCACCGTGTCCCACACACTGGAGCTGTTGCTGGAGCTGATGAGGGGCACAGGGTC[C>CA]CGGCTGCTGGCTCCCCTGTGCCGATGACTGTGGTCACTGTGGGCCTCCCTGCCCACCCCC-3'